The following is an entry in ClinVar:

ClinVar aggregate classification (germline): Uncertain significance (1 of 4 stars; one submission).

Conditions:
Tuberous sclerosis 1 (TSC1). Identifiers: Orphanet 805, MedGen C1854465, MONDO:0008612, OMIM 191100.

Submission:

Labcorp Genetics (formerly Invitae), Labcorp
Classification: Uncertain significance for Tuberous sclerosis 1. Last evaluated: 2024-03-12. Review status: criteria provided, single submitter. Criteria: Invitae Variant Classification Sherloc (09022015). Collection method: clinical testing. Allele origin: germline.
Comment: This sequence change falls in intron 7 of the TSC1 gene. It does not directly change the encoded amino acid sequence of the TSC1 protein. It affects a nucleotide within the consensus splice site. This variant is not present in population databases (gnomAD no frequency). This variant has not been reported in the literature in individuals affected with TSC1-related conditions. Variants that disrupt the consensus splice site are a relatively common cause of aberrant splicing (PMID: 17576681, 9536098). Algorithms developed to predict the effect of sequence changes on RNA splicing suggest that this variant may disrupt the consensus splice site. In summary, the available evidence is currently insufficient to determine the role of this variant in disease. Therefore, it has been classified as a Variant of Uncertain Significance.

Literature cited by the submitters: PubMed 17576681; PubMed 9536098.

NM_000368.5(TSC1):c.664-3del

Gene: TSC1 (TSC complex subunit 1; minus strand). Cytogenetic location: 9q34.13.
Variant type: Deletion.
Coding change: c.664-3del on transcript NM_000368.5 (MANE Select); 3 bases into the intron before coding-DNA position 664, one base deleted (T; older notation c.664-3delT).
Molecular consequence: intron variant.
Genome position (GRCh38, 1-based): chr9:132,921,439, A deleted on the plus strand (T on the coding strand, the reverse complement: TSC1 is on the minus strand). VCF-style (leftmost placement, unchanged base first): chr9-132921438-TA-T. GRCh37 (hg19) VCF-style: chr9-135796825-TA-T.
Other names: c.301-3del (NM_001406624.1, NM_001406616.1, NM_001406623.1 and 10 more transcripts); c.664-3del (NM_001406599.1, NM_001406594.1, NM_001406603.1 and 16 more transcripts); c.511-3del (NM_001406613.1, NM_001406612.1, NM_001406610.1 and 2 more transcripts); c.-215+380del (NM_001406627.1, NM_001406628.1, NM_001406626.1); c.-357+380del (NM_001406629.1); c.-430-3del (NM_001406630.1).
Identifiers: ClinVar variation 3645459 (VCV003645459.2).